The following is an entry in ClinVar:

ClinVar aggregate classification (germline): Uncertain significance (1 of 4 stars; one submission).

Conditions:
Cone-rod dystrophy 6 (CORD6). Also called: RETINAL CONE DYSTROPHY 2; Cone dystrophy progressive. Identifiers: Orphanet 1872, MedGen C1866293, MONDO:0011143, OMIM 601777.
Leber congenital amaurosis 1 (LCA1). Also called: RETINAL BLINDNESS, CONGENITAL; AMAUROSIS CONGENITA OF LEBER I; Congenital absence of the rods and cones; Leber's congenital tapetoretinal degeneration; Leber's congenital tapetoretinal dysplasia. Identifiers: Orphanet 65, MedGen C2931258, MONDO:0008764, OMIM 204000.

gnomAD v4.1: 14 of 1,613,850 alleles (0.00087%); highest among the groups gnomAD compares: African/African-American, 0.017%; no homozygotes.

Submission:

Labcorp Genetics (formerly Invitae), Labcorp
Classification: Uncertain significance for Leber congenital amaurosis 1; Cone-rod dystrophy 6. Last evaluated: 2024-07-06. Review status: criteria provided, single submitter. Criteria: Invitae Variant Classification Sherloc (09022015). Collection method: clinical testing. Allele origin: germline.
Comment: This sequence change replaces valine, which is neutral and non-polar, with leucine, which is neutral and non-polar, at codon 592 of the GUCY2D protein (p.Val592Leu). This variant is present in population databases (rs373362030, gnomAD 0.03%). This variant has not been reported in the literature in individuals affected with GUCY2D-related conditions. Advanced modeling of protein sequence and biophysical properties (such as structural, functional, and spatial information, amino acid conservation, physicochemical variation, residue mobility, and thermodynamic stability) performed at Invitae indicates that this missense variant is not expected to disrupt GUCY2D protein function with a negative predictive value of 80%. In summary, the available evidence is currently insufficient to determine the role of this variant in disease. Therefore, it has been classified as a Variant of Uncertain Significance.

NM_000180.4(GUCY2D):c.1774G>T (p.Val592Leu)

Gene: GUCY2D (guanylate cyclase 2D, retinal; plus strand). Cytogenetic location: 17p13.1.
Variant type: single nucleotide variant.
Coding change: c.1774G>T on transcript NM_000180.4 (MANE Select); coding-DNA position 1774, G replaced by T.
Protein change: p.Val592Leu; replaces valine 592 with leucine.
Molecular consequence: missense variant.
Genome position (GRCh38, 1-based): chr17:8,012,168, G>T. VCF-style: chr17-8012168-G-T. GRCh37 (hg19) VCF-style: chr17-7915486-G-T.
Other names: short protein forms V592L.
Identifiers: ClinVar variation 3749221 (VCV003749221.2).
Genomic context (GRCh38, chr17:8,012,168, plus strand): 5'-TGGGCAGAAAATGCAAGTCAACTCTCCCCCTCTCAGCTCCAGGAGCTCCGGCATGAGAAC[G>T]TGGCCCTCTACCTGGGGCTTTTCCTGGCTCGGGGAGCAGAAGGCCCTGCGGCCCTCTGGG-3'
Protein context (NP_000171.1, residues 582-602): SKLQELRHEN[Val592Leu]ALYLGLFLAR